The following is an entry in ClinVar:

ClinVar aggregate classification (germline): Pathogenic (1 of 4 stars; one submission).

Conditions:
Methylcobalamin deficiency type cblE (HMAE). Also called: VITAMIN B12-RESPONSIVE HOMOCYSTINURIA, cblE TYPE; HOMOCYSTINURIA-MEGALOBLASTIC ANEMIA, cblE TYPE; HOMOCYSTINURIA-MEGALOBLASTIC ANEMIA, cblE COMPLEMENTATION TYPE. Identifiers: Orphanet 2169, Orphanet 622, MedGen C1856057, MONDO:0009354, OMIM 236270.

Submission:

Labcorp Genetics (formerly Invitae), Labcorp
Classification: Pathogenic for Methylcobalamin deficiency type cblE. Last evaluated: 2023-04-25. Review status: criteria provided, single submitter. Criteria: Invitae Variant Classification Sherloc (09022015). Collection method: clinical testing. Allele origin: unknown.
Comment: For these reasons, this variant has been classified as Pathogenic. This variant has not been reported in the literature in individuals affected with MTRR-related conditions. This variant is a gross deletion of the genomic region encompassing exon(s) 11 of the MTRR gene. This deletion is out-of-frame, and is expected to create a premature termination codon and result in an absent or disrupted protein product. Loss-of-function variants in MTRR are known to be pathogenic (PMID: 15714522).

Literature cited by the submitters: PubMed 15714522.

NC_000005.9:g.(?_7892820)_(7893046_?)del

Gene: MTRR (5-methyltetrahydrofolate-homocysteine methyltransferase reductase; plus strand). Cytogenetic location: 5p15.31.
Variant type: Deletion.
Identifiers: ClinVar variation 3246350 (VCV003246350.1).